The following is an entry in ClinVar:

ClinVar aggregate classification (germline): Uncertain significance. Review status: criteria provided, multiple submitters, no conflicts (2 of 4 stars). 2 submissions from 2 submitters: Uncertain significance (2). Last evaluated 2023-10-23.

Conditions:
Renal cell carcinoma. Identifiers: Orphanet 217071, MedGen C0007134, MeSH D002292, MONDO:0005086, HP:0005584.
Hereditary cancer-predisposing syndrome. Also called: Hereditary Cancer Syndrome; Neoplastic Syndromes, Hereditary; Tumor predisposition; Hereditary neoplastic syndrome. Identifiers: Orphanet 140162, MedGen C0027672, MeSH D009386, MONDO:0015356.

Submissions (2):

Labcorp Genetics (formerly Invitae), Labcorp
Classification: Uncertain significance for Renal cell carcinoma. Last evaluated: 2023-10-23. Review status: criteria provided, single submitter. Criteria: Invitae Variant Classification Sherloc (09022015). Collection method: clinical testing. Allele origin: germline.
Comment: This sequence change replaces phenylalanine, which is neutral and non-polar, with leucine, which is neutral and non-polar, at codon 1218 of the MET protein (p.Phe1218Leu). This variant is not present in population databases (gnomAD no frequency). This variant has not been reported in the literature in individuals affected with MET-related conditions. ClinVar contains an entry for this variant (Variation ID: 480848). Advanced modeling of protein sequence and biophysical properties (such as structural, functional, and spatial information, amino acid conservation, physicochemical variation, residue mobility, and thermodynamic stability) performed at Invitae indicates that this missense variant is expected to disrupt MET protein function with a positive predictive value of 80%. In summary, the available evidence is currently insufficient to determine the role of this variant in disease. Therefore, it has been classified as a Variant of Uncertain Significance.

Ambry Genetics
Classification: Uncertain significance for Hereditary cancer-predisposing syndrome. Last evaluated: 2016-10-26. Review status: criteria provided, single submitter. Criteria: Ambry Variant Classification Scheme 2023. Collection method: clinical testing. Allele origin: germline.
Comment: The p.F1218L variant (also known as c.3652T>C), located in coding exon 17 of the MET gene, results from a T to C substitution at nucleotide position 3652. The phenylalanine at codon 1218 is replaced by leucine, an amino acid with highly similar properties. This amino acid position is highly conserved in available vertebrate species. In addition, this alteration is predicted to be deleterious by in silico analysis. Since supporting evidence is limited at this time, the clinical significance of this alteration remains unclear.

NM_000245.4(MET):c.3598T>C (p.Phe1200Leu)

Gene: MET (MET proto-oncogene, receptor tyrosine kinase; plus strand). Cytogenetic location: 7q31.2.
Variant type: single nucleotide variant.
Coding change: c.3598T>C on transcript NM_000245.4 (MANE Select); coding-DNA position 3598, T replaced by C.
Protein change: p.Phe1200Leu; replaces phenylalanine 1200 with leucine.
Molecular consequence: missense variant.
Genome position (GRCh38, 1-based): chr7:116,782,063, T>C. VCF-style: chr7-116782063-T-C. GRCh37 (hg19) VCF-style: chr7-116422117-T-C.
Other names: c.3652T>C (LRG_662t1); c.3652T>C, p.Phe1218Leu (NM_001127500.3); c.2308T>C, p.Phe770Leu (NM_001324402.2); short protein forms F1218L, F770L, F1200L.
Identifiers: ClinVar variation 480848 (VCV000480848.8), dbSNP rs1554400099, ClinGen allele CA368991143.